The following is an entry in ClinVar:

NM_001127644.2(GABRA1):c.485T>G (p.Val162Gly)

Gene: GABRA1 (gamma-aminobutyric acid type A receptor subunit alpha1; plus strand). Cytogenetic location: 5q34.
Variant type: single nucleotide variant.
Coding change: c.485T>G on transcript NM_001127644.2 (MANE Select); coding-DNA position 485, T replaced by G.
Protein change: p.Val162Gly; replaces valine 162 with glycine.
Molecular consequence: missense variant.
Genome position (GRCh38, 1-based): chr5:161,875,568, T>G. VCF-style: chr5-161875568-T-G. GRCh37 (hg19) VCF-style: chr5-161302574-T-G.
Other names: c.485T>G, p.Val162Gly (NM_000806.5, NM_001127643.2, NM_001127645.2 and 1 more transcripts); short protein forms V162G.
Identifiers: ClinVar variation 468875 (VCV000468875.11), dbSNP rs1554085822, ClinGen allele CA362179197.

ClinVar aggregate classification (germline): Uncertain significance. Review status: criteria provided, multiple submitters, no conflicts (2 of 4 stars). 2 submissions from 2 submitters: Uncertain significance (2). Last evaluated 2024-10-30.

Conditions:
Idiopathic generalized epilepsy. Also called: EIG; Generalised epilepsy. Identifiers: MedGen C0270850, MONDO:0005579, OMIM 600669.
Epilepsy, childhood absence 4 (ECA4). Also called: EPILEPSY, CHILDHOOD ABSENCE, SUSCEPTIBILITY TO, 4. Identifiers: Orphanet 307, MedGen C1970160.
Epilepsy, idiopathic generalized, susceptibility to, 13. Also called: EPILEPSY, JUVENILE MYOCLONIC, SUSCEPTIBILITY TO, 5. Identifiers: Orphanet 307, Orphanet 64280, MedGen C4013473, MONDO:0012627, OMIM 611136.
Developmental and epileptic encephalopathy, 19 (DEE19). Also called: Epileptic encephalopathy, early infantile, 19. Identifiers: Orphanet 33069, MedGen C3810400, MONDO:0014328, OMIM 615744.

Submissions (2):

Labcorp Genetics (formerly Invitae), Labcorp
Classification: Uncertain significance for Epilepsy, childhood absence 4; Epilepsy, idiopathic generalized, susceptibility to, 13; Idiopathic generalized epilepsy. Last evaluated: 2024-10-30. Review status: criteria provided, single submitter. Criteria: Invitae Variant Classification Sherloc (09022015). Collection method: clinical testing. Allele origin: germline.
Comment: This sequence change replaces valine, which is neutral and non-polar, with glycine, which is neutral and non-polar, at codon 162 of the GABRA1 protein (p.Val162Gly). This variant is not present in population databases (gnomAD no frequency). This variant has not been reported in the literature in individuals affected with GABRA1-related conditions. ClinVar contains an entry for this variant (Variation ID: 468875). Invitae Evidence Modeling of protein sequence and biophysical properties (such as structural, functional, and spatial information, amino acid conservation, physicochemical variation, residue mobility, and thermodynamic stability) indicates that this missense variant is expected to disrupt GABRA1 protein function with a positive predictive value of 80%. In summary, the available evidence is currently insufficient to determine the role of this variant in disease. Therefore, it has been classified as a Variant of Uncertain Significance.

Baylor Genetics
Classification: Uncertain significance for Developmental and epileptic encephalopathy, 19. Last evaluated: 2023-12-07. Review status: criteria provided, single submitter. Criteria: ACMG Guidelines, 2015. Collection method: clinical testing. Allele origin: unknown.